The following is an entry in ClinVar:

ClinVar aggregate classification (germline): Uncertain significance (1 of 4 stars; one submission).

Conditions:
Neurodevelopmental disorder with or without hyperkinetic movements and seizures, autosomal dominant. Also called: Intellectual disability, autosomal dominant 8. Identifiers: MedGen C3280282, MONDO:0013655, OMIM 614254.

Allele frequency attached by ClinVar (database versions not stated): gnomAD exomes 0.00001.
gnomAD v4.1: 14 of 1,596,342 alleles (0.00088%); highest among the groups gnomAD compares: Non-Finnish European, 0.0012%; no homozygotes.

Submission:

Labcorp Genetics (formerly Invitae), Labcorp
Classification: Uncertain significance for Neurodevelopmental disorder with or without hyperkinetic movements and seizures, autosomal dominant. Last evaluated: 2022-03-31. Review status: criteria provided, single submitter. Criteria: Invitae Variant Classification Sherloc (09022015). Collection method: clinical testing. Allele origin: germline.
Comment: This sequence change replaces serine, which is neutral and polar, with asparagine, which is neutral and polar, at codon 224 of the GRIN1 protein (p.Ser224Asn). This variant also falls at the last nucleotide of exon 4, which is part of the consensus splice site for this exon. This variant is not present in population databases (gnomAD no frequency). This variant has not been reported in the literature in individuals affected with GRIN1-related conditions. Algorithms developed to predict the effect of missense changes on protein structure and function are either unavailable or do not agree on the potential impact of this missense change (SIFT: "Deleterious"; PolyPhen-2: "Benign"; Align-GVGD: "Class C0"). Variants that disrupt the consensus splice site are a relatively common cause of aberrant splicing (PMID: 17576681, 9536098). Algorithms developed to predict the effect of sequence changes on RNA splicing suggest that this variant may disrupt the consensus splice site. In summary, the available evidence is currently insufficient to determine the role of this variant in disease. Therefore, it has been classified as a Variant of Uncertain Significance.

Literature cited by the submitters: PubMed 17576681; PubMed 9536098.

NM_007327.4(GRIN1):c.671G>A (p.Ser224Asn)

Gene: GRIN1 (glutamate ionotropic receptor NMDA type subunit 1; plus strand). Cytogenetic location: 9q34.3.
Variant type: single nucleotide variant.
Coding change: c.671G>A on transcript NM_007327.4 (MANE Select); coding-DNA position 671, G replaced by A.
Protein change: p.Ser224Asn; replaces serine 224 with asparagine.
Molecular consequence: missense variant.
Genome position (GRCh38, 1-based): chr9:137,149,109, G>A. VCF-style: chr9-137149109-G-A. GRCh37 (hg19) VCF-style: chr9-140043561-G-A.
Other names: c.671G>A, p.Ser224Asn (NM_000832.7, NM_021569.4); c.734G>A, p.Ser245Asn (NM_001185090.2, NM_001185091.2); short protein forms S245N, S224N.
Identifiers: ClinVar variation 2119791 (VCV002119791.4), dbSNP rs202241730, ClinGen allele CA201733743.
Genomic context (GRCh38, chr9:137,149,109, plus strand): 5'-TGACGGCCCTGCTGATGGAGGCGAAAGAGCTGGAGGCCCGGGTCATCATCCTTTCTGCCA[G>A]GTGAGGCTGGGCAGGGCCCTACACACTCCACACAGGATGGTACCTGAGCCAAGTACCCGC-3'
Protein context (NP_015566.1, residues 214-234): LEARVIILSA[Ser224Asn]EDDAATVYRA